The following is an entry in ClinVar:

NM_005529.7(HSPG2):c.2131G>A (p.Ala711Thr)

Gene: HSPG2 (heparan sulfate proteoglycan 2; minus strand). Cytogenetic location: 1p36.12.
Variant type: single nucleotide variant.
Coding change: c.2131G>A on transcript NM_005529.7 (MANE Select); coding-DNA position 2131, G replaced by A.
Protein change: p.Ala711Thr; replaces alanine 711 with threonine.
Molecular consequence: missense variant.
Genome position (GRCh38, 1-based): chr1:21,880,427, C>T on the plus strand (G>A on the coding strand, the complement: HSPG2 is on the minus strand). VCF-style: chr1-21880427-C-T. GRCh37 (hg19) VCF-style: chr1-22206920-C-T.
Other names: c.2134G>A, p.Ala712Thr (NM_001291860.2); short protein forms A711T, A712T.
Identifiers: ClinVar variation 1985124 (VCV001985124.4), dbSNP rs113559506, ClinGen allele CA19152781.
Genomic context (GRCh38, chr1:21,880,427, plus strand): 5'-ACTCCTCCACACTGTGGGCACGGCCATGGCTGGTGGCATGGGTGACGGTGGTATCCATGG[C>T]GATGTCGCTAAGTCCCACGCTGGCCATCTTGGTGTTGTACACGGTCTGGATGAGCACGGC-3'
Protein context (NP_005520.4, residues 701-721): KMASVGLSDI[Ala711Thr]MDTTVTHATS

ClinVar aggregate classification (germline): Uncertain significance (1 of 4 stars; one submission).

Allele frequency attached by ClinVar (database versions not stated): gnomAD exomes 0.00001; TOPMed 0.00001; gnomAD 0.00002.
gnomAD v4.1: 15 of 1,613,930 alleles (0.00093%); highest among the groups gnomAD compares: African/African-American, 0.004%; no homozygotes.

Submission:

Labcorp Genetics (formerly Invitae), Labcorp
Classification: Uncertain significance. Last evaluated: 2022-02-03. Review status: criteria provided, single submitter. Criteria: Invitae Variant Classification Sherloc (09022015). Collection method: clinical testing. Allele origin: germline.
Comment: In summary, the available evidence is currently insufficient to determine the role of this variant in disease. Therefore, it has been classified as a Variant of Uncertain Significance. Algorithms developed to predict the effect of missense changes on protein structure and function output the following: SIFT: "Tolerated"; PolyPhen-2: "Benign"; Align-GVGD: "Class C0". The threonine amino acid residue is found in multiple mammalian species, which suggests that this missense change does not adversely affect protein function. This variant has not been reported in the literature in individuals affected with HSPG2-related conditions. The frequency data for this variant in the population databases is considered unreliable, as metrics indicate poor data quality at this position in the gnomAD database. This sequence change replaces alanine, which is neutral and non-polar, with threonine, which is neutral and polar, at codon 711 of the HSPG2 protein (p.Ala711Thr).